The following is an entry in ClinVar:

ClinVar aggregate classification (germline): Likely benign. Review status: criteria provided, multiple submitters, no conflicts (2 of 4 stars). 2 submissions from 2 submitters: Likely benign (2). Last evaluated 2025-03-01.

gnomAD v4.1: 7 of 1,611,778 alleles (0.00043%); highest among the groups gnomAD compares: Non-Finnish European, 0.00059%; no homozygotes.

Submissions (2):

CeGaT Center for Human Genetics Tuebingen
Classification: Likely benign. Last evaluated: 2025-03-01. Review status: criteria provided, single submitter. Criteria: CeGaT Center For Human Genetics Tuebingen Variant Classification Criteria Version 2. Collection method: clinical testing. Allele origin: germline. Affected: yes. Observed: 1 variant allele.
Comment: ABHD12: BP4, BP7

Blueprint Genetics
Classification: Likely benign. Last evaluated: 2024-08-11. Review status: criteria provided, single submitter. Criteria: ACMG Guidelines, 2015. Collection method: clinical testing. Allele origin: germline.

NM_001042472.3(ABHD12):c.783G>A (p.Glu261=)

Gene: ABHD12 (abhydrolase domain containing 12, lysophospholipase; minus strand). Cytogenetic location: 20p11.21.
Variant type: single nucleotide variant.
Coding change: c.783G>A on transcript NM_001042472.3 (MANE Select); coding-DNA position 783, G replaced by A.
Protein change: p.Glu261=; no amino-acid change (glutamic acid 261 retained).
Molecular consequence: synonymous variant.
Genome position (GRCh38, 1-based): chr20:25,308,461, C>T on the plus strand (G>A on the coding strand, the complement: ABHD12 is on the minus strand). VCF-style: chr20-25308461-C-T. GRCh37 (hg19) VCF-style: chr20-25289097-C-T.
Other names: c.783G>A, p.Glu261= (NM_015600.5).
Identifiers: ClinVar variation 3778369 (VCV003778369.8).